The following is an entry in ClinVar:

NM_177438.3(DICER1):c.4746C>G (p.Phe1582Leu)

Gene: DICER1 (dicer 1, ribonuclease III; minus strand). Cytogenetic location: 14q32.13.
Variant type: single nucleotide variant.
Coding change: c.4746C>G on transcript NM_177438.3 (MANE Select); coding-DNA position 4746, C replaced by G.
Protein change: p.Phe1582Leu; replaces phenylalanine 1582 with leucine.
Molecular consequence: missense variant.
Genome position (GRCh38, 1-based): chr14:95,096,174, G>C on the plus strand (C>G on the coding strand, the complement: DICER1 is on the minus strand). VCF-style: chr14-95096174-G-C. GRCh37 (hg19) VCF-style: chr14-95562511-G-C.
Other names: c.4746C>G, p.Phe1582Leu (NM_001195573.1, NM_001271282.3, NM_001291628.2 and 1 more transcripts); short protein forms F1582L.
Identifiers: ClinVar variation 1524583 (VCV001524583.9), dbSNP rs1890311800, ClinGen allele CA390867340.

ClinVar aggregate classification (germline): Uncertain significance (1 of 4 stars; one submission).

Conditions:
DICER1-related tumor predisposition. Also called: DICER1 syndrome; DICER1-related pleuropulmonary blastoma cancer predisposition syndrome. Identifiers: Orphanet 284343, MedGen C3839822, MONDO:0100216.

Submission:

Labcorp Genetics (formerly Invitae), Labcorp
Classification: Uncertain significance for DICER1-related tumor predisposition. Last evaluated: 2020-11-02. Review status: criteria provided, single submitter. Criteria: Invitae Variant Classification Sherloc (09022015). Collection method: clinical testing. Allele origin: germline.
Comment: In summary, the available evidence is currently insufficient to determine the role of this variant in disease. Therefore, it has been classified as a Variant of Uncertain Significance. Algorithms developed to predict the effect of missense changes on protein structure and function (SIFT, PolyPhen-2, Align-GVGD) all suggest that this variant is likely to be tolerated, but these predictions have not been confirmed by published functional studies and their clinical significance is uncertain. This variant has not been reported in the literature in individuals with DICER1-related conditions. This variant is not present in population databases (ExAC no frequency). This sequence change replaces phenylalanine with leucine at codon 1582 of the DICER1 protein (p.Phe1582Leu). The phenylalanine residue is highly conserved and there is a small physicochemical difference between phenylalanine and leucine.